The following is an entry in ClinVar:

NM_001846.4(COL4A2):c.4709C>A (p.Thr1570Asn)

Genes: COL4A2-AS1 (COL4A2 antisense RNA 1; minus strand), COL4A2 (collagen type IV alpha 2 chain; plus strand). Cytogenetic location: 13q34.
Variant type: single nucleotide variant.
Coding change: c.4709C>A on transcript NM_001846.4 (MANE Select); coding-DNA position 4709, C replaced by A.
Protein change: p.Thr1570Asn; replaces threonine 1570 with asparagine.
Molecular consequence: missense variant.
Genome position (GRCh38, 1-based): chr13:110,508,049, C>A. VCF-style: chr13-110508049-C-A. GRCh37 (hg19) VCF-style: chr13-111160396-C-A.
Other names: short protein forms T1570N.
Identifiers: ClinVar variation 1379162 (VCV001379162.6), dbSNP rs2139560153, ClinGen allele CA388741449.
Genomic context (GRCh38, chr13:110,508,049, plus strand): 5'-ACCCTGGTGATGTCTGCTACTATGCCAGCCGGAACGACAAGTCCTACTGGCTCTCTACCA[C>A]TGCGCCGCTGCCCATGATGCCCGTGGCCGAGGACGAGATCAAGCCCTACATCAGCCGCTG-3'
Protein context (NP_001837.2, residues 1560-1580): RNDKSYWLST[Thr1570Asn]APLPMMPVAE

ClinVar aggregate classification (germline): Uncertain significance (1 of 4 stars; one submission).

Submission:

Labcorp Genetics (formerly Invitae), Labcorp
Classification: Uncertain significance. Last evaluated: 2024-09-18. Review status: criteria provided, single submitter. Criteria: Invitae Variant Classification Sherloc (09022015). Collection method: clinical testing. Allele origin: germline.
Comment: This sequence change replaces threonine, which is neutral and polar, with asparagine, which is neutral and polar, at codon 1570 of the COL4A2 protein (p.Thr1570Asn). This variant is not present in population databases (gnomAD no frequency). This variant has not been reported in the literature in individuals affected with COL4A2-related conditions. ClinVar contains an entry for this variant (Variation ID: 1379162). Invitae Evidence Modeling of protein sequence and biophysical properties (such as structural, functional, and spatial information, amino acid conservation, physicochemical variation, residue mobility, and thermodynamic stability) indicates that this missense variant is not expected to disrupt COL4A2 protein function with a negative predictive value of 95%. In summary, the available evidence is currently insufficient to determine the role of this variant in disease. Therefore, it has been classified as a Variant of Uncertain Significance.